The following is an entry in ClinVar:

NM_006371.5(CRTAP):c.*3005G>A

Gene: CRTAP (cartilage associated protein; plus strand). Cytogenetic location: 3p22.3.
Variant type: single nucleotide variant.
Coding change: c.*3005G>A on transcript NM_006371.5 (MANE Select); 3005 bases downstream of the stop codon, G replaced by A.
Molecular consequence: 3 prime UTR variant.
Genome position (GRCh38, 1-based): chr3:33,145,453, G>A. VCF-style: chr3-33145453-G-A. GRCh37 (hg19) VCF-style: chr3-33186945-G-A.
Identifiers: ClinVar variation 344859 (VCV000344859.5), dbSNP rs114186675, ClinGen allele CA10618494.

ClinVar aggregate classification (germline): Benign (1 of 4 stars; one submission).

Conditions:
Osteogenesis imperfecta type 7 (OI7). Also called: OI type 7; OI type VII; OSTEOGENESIS IMPERFECTA, TYPE IIB; Osteogenesis imperfecta type 2B; OI type 2B; Osteogenesis imperfecta, perinatal lethal autosomal recessive. Identifiers: MedGen C1853162, MONDO:0012536, OMIM 610682.

Allele frequency attached by ClinVar (database versions not stated): gnomAD 0.02242 and 0.02392; 1000 Genomes Project 0.02396; 1000 Genomes Project 30x 0.02561; TOPMed 0.02565.

Submission:

Illumina Laboratory Services, Illumina
Classification: Benign for Osteogenesis imperfecta type 7. Last evaluated: 2018-01-12. Review status: criteria provided, single submitter. Criteria: ICSL Variant Classification Criteria 13 December 2019. Collection method: clinical testing. Allele origin: germline.
Comment: This variant was observed in the ICSL laboratory as part of a predisposition screen in an ostensibly healthy population. It had not been previously curated by ICSL or reported in the Human Gene Mutation Database (HGMD: prior to June 1st, 2018), and was therefore a candidate for classification through an automated scoring system. Utilizing variant allele frequency, disease prevalence and penetrance estimates, and inheritance mode, an automated score was calculated to assess if this variant is too frequent to cause the disease. Based on the score and internal cut-off values, a variant classified as benign is not then subjected to further curation. The score for this variant resulted in a classification of benign for this disease.